The following is an entry in ClinVar:

NM_001374736.1(DST):c.23263C>T (p.Arg7755Cys)

Gene: DST (dystonin; minus strand). Cytogenetic location: 6p12.1.
Variant type: single nucleotide variant.
Coding change: c.23263C>T on transcript NM_001374736.1 (MANE Select); coding-DNA position 23263, C replaced by T.
Protein change: p.Arg7755Cys; replaces arginine 7755 with cysteine.
Molecular consequence: missense variant.
Genome position (GRCh38, 1-based): chr6:56,459,199, G>A on the plus strand (C>T on the coding strand, the complement: DST is on the minus strand). VCF-style: chr6-56459199-G-A. GRCh37 (hg19) VCF-style: chr6-56323997-G-A.
Other names: c.16834C>T, p.Arg5612Cys (NM_001144769.5); c.16420C>T, p.Arg5474Cys (NM_001144770.2); c.23191C>T, p.Arg7731Cys (NM_001374722.1); c.22192C>T, p.Arg7398Cys (NM_001374729.1); c.15934C>T, p.Arg5312Cys (NM_001374730.1); c.23218C>T, p.Arg7740Cys (NM_001374734.1); c.16282C>T, p.Arg5428Cys (NM_001386100.1); c.15322C>T, p.Arg5108Cys (NM_015548.5); and 1 more; short protein forms R5108C, R5312C, R5428C, R5434C, R5474C, R5612C, R7398C, R7731C.
Identifiers: ClinVar variation 1010154 (VCV001010154.8), dbSNP rs868335418, ClinGen allele CA139162234.

ClinVar aggregate classification (germline): Uncertain significance. Review status: criteria provided, multiple submitters, no conflicts (2 of 4 stars). 2 submissions from 2 submitters: Uncertain significance (2). Last evaluated 2022-07-13.

Conditions:
Inborn genetic diseases. Identifiers: MedGen C0950123, MeSH D030342.
Epidermolysis bullosa simplex 3, localized or generalized intermediate, with BP230 deficiency (EBS3). Also called: Epidermolysis bullosa simplex due to BP230 deficiency; Epidermolysis bullosa simplex, autosomal recessive 2. Identifiers: Orphanet 412181, MedGen C3809470, MONDO:0014180, OMIM 615425.
Hereditary sensory and autonomic neuropathy type 6. Also called: HSAN VI; Neuropathy, hereditary sensory and autonomic, type VI. Identifiers: Orphanet 314381, MedGen C3539003, MONDO:0013839, OMIM 614653.

Allele frequency attached by ClinVar (database versions not stated): TOPMed below 0.00001; gnomAD 0.00001; gnomAD exomes 0.00001 and 0.00002.
gnomAD v4.1: 32 of 1,613,644 alleles (0.002%); highest among the groups gnomAD compares: Middle Eastern, 0.016%; no homozygotes.

Submissions (2):

Labcorp Genetics (formerly Invitae), Labcorp
Classification: Uncertain significance for Epidermolysis bullosa simplex 3, localized or generalized intermediate, with BP230 deficiency; Hereditary sensory and autonomic neuropathy type 6. Last evaluated: 2022-07-13. Review status: criteria provided, single submitter. Criteria: Invitae Variant Classification Sherloc (09022015). Collection method: clinical testing. Allele origin: germline.
Comment: The DST gene has multiple clinically relevant transcripts. This variant occurs in alternate transcript NM_015548.4, and corresponds to NM_001723.5:c.*156318C>T in the primary transcript. This sequence change replaces arginine, which is basic and polar, with cysteine, which is neutral and slightly polar, at codon 5108 of the DST protein (p.Arg5108Cys). This variant is present in population databases (no rsID available, gnomAD 0.004%). This variant has not been reported in the literature in individuals affected with DST-related conditions. Experimental studies and prediction algorithms are not available or were not evaluated, and the functional significance of this variant is currently unknown. In summary, the available evidence is currently insufficient to determine the role of this variant in disease. Therefore, it has been classified as a Variant of Uncertain Significance.

Ambry Genetics
Classification: Uncertain significance for Inborn genetic diseases. Last evaluated: 2022-02-23. Review status: criteria provided, single submitter. Criteria: Ambry Variant Classification Scheme 2023. Collection method: clinical testing. Allele origin: germline.
Comment: The p.R5612C variant (also known as c.16834C>T), located in coding exon 97 of the DST gene, results from a C to T substitution at nucleotide position 16834. The arginine at codon 5612 is replaced by cysteine, an amino acid with highly dissimilar properties. This amino acid position is highly conserved in available vertebrate species. In addition, the in silico prediction for this alteration is inconclusive. Since supporting evidence is limited at this time, the clinical significance of this alteration remains unclear.